The following is an entry in ClinVar:

NM_000188.3(HK1):c.1522G>A (p.Val508Met)

Gene: HK1 (hexokinase 1; plus strand). Cytogenetic location: 10q22.1.
Variant type: single nucleotide variant.
Coding change: c.1522G>A on transcript NM_000188.3 (MANE Select); coding-DNA position 1522, G replaced by A.
Protein change: p.Val508Met; replaces valine 508 with methionine.
Molecular consequence: missense variant.
Genome position (GRCh38, 1-based): chr10:69,382,743, G>A. VCF-style: chr10-69382743-G-A. GRCh37 (hg19) VCF-style: chr10-71142499-G-A.
Other names: c.1534G>A, p.Val512Met (NM_001322364.2, NM_001358263.1, NM_033497.3 and 1 more transcripts); c.1627G>A, p.Val543Met (NM_001322365.2); c.1438G>A, p.Val480Met (NM_001322366.1); c.1426G>A, p.Val476Met (NM_001322367.1); c.1519G>A, p.Val507Met (NM_033496.3); c.1486G>A, p.Val496Met (NM_033500.2); short protein forms V480M, V508M, V476M, V507M, V512M, V543M, V496M.
Identifiers: ClinVar variation 967412 (VCV000967412.9), dbSNP rs145718031, ClinGen allele CA5532617.

ClinVar aggregate classification (germline): Uncertain significance. Review status: criteria provided, multiple submitters, no conflicts (2 of 4 stars). 2 submissions from 2 submitters: Uncertain significance (2). Last evaluated 2024-03-18.

Allele frequency attached by ClinVar (database versions not stated): gnomAD exomes 0.00002; TOPMed 0.00003; ExAC 0.00004; gnomAD 0.00005; ESP Exome Variant Server 0.00008.
gnomAD v4.1: 35 of 1,613,132 alleles (0.0022%); highest among the groups gnomAD compares: African/African-American, 0.0053%; no homozygotes.

Submissions (2):

Labcorp Genetics (formerly Invitae), Labcorp
Classification: Uncertain significance. Last evaluated: 2024-03-18. Review status: criteria provided, single submitter. Criteria: Invitae Variant Classification Sherloc (09022015). Collection method: clinical testing. Allele origin: germline.
Comment: This sequence change replaces valine, which is neutral and non-polar, with methionine, which is neutral and non-polar, at codon 508 of the HK1 protein (p.Val508Met). This variant is present in population databases (rs145718031, gnomAD 0.008%). This variant has not been reported in the literature in individuals affected with HK1-related conditions. ClinVar contains an entry for this variant (Variation ID: 967412). Advanced modeling of protein sequence and biophysical properties (such as structural, functional, and spatial information, amino acid conservation, physicochemical variation, residue mobility, and thermodynamic stability) performed at Invitae indicates that this missense variant is not expected to disrupt HK1 protein function with a negative predictive value of 80%. In summary, the available evidence is currently insufficient to determine the role of this variant in disease. Therefore, it has been classified as a Variant of Uncertain Significance.

Revvity Omics, Revvity
Classification: Uncertain significance. Last evaluated: 2023-04-25. Review status: criteria provided, single submitter. Criteria: ACMG Guidelines, 2015. Collection method: clinical testing. Allele origin: germline.